The following is an entry in ClinVar:

NM_001166108.2(PALLD):c.2362G>T (p.Val788Leu)

Genes: CBR4 (carbonyl reductase 4; minus strand), PALLD (palladin, cytoskeletal associated protein; plus strand). Cytogenetic location: 4q32.3.
Variant type: single nucleotide variant.
Coding change: c.2362G>T on transcript NM_001166108.2 (MANE Select); coding-DNA position 2362, G replaced by T.
Protein change: p.Val788Leu; replaces valine 788 with leucine.
Molecular consequence: missense variant.
Genome position (GRCh38, 1-based): chr4:168,898,604, G>T. VCF-style: chr4-168898604-G-T. GRCh37 (hg19) VCF-style: chr4-169819755-G-T.
Other names: c.1165G>T, p.Val389Leu (NM_001166109.2); c.850G>T, p.Val284Leu (NM_001166110.2); c.190G>T, p.Val64Leu (NM_001367567.1, NM_001367569.1); c.241G>T, p.Val81Leu (NM_001367568.1, NM_001367570.1); c.2311G>T, p.Val771Leu (NM_016081.4); short protein forms V771L, V284L, V81L, V389L, V64L, V788L.
Identifiers: ClinVar variation 136013 (VCV000136013.2), dbSNP rs587780762, ClinGen allele CA332752.

ClinVar aggregate classification (germline): Uncertain significance. Review status: criteria provided, single submitter (1 of 4 stars). 2 submissions from 2 submitters: Uncertain significance (1). 1 of the submissions does not count toward it. Last evaluated 2026-03-12.

Conditions:
Pancreatic adenocarcinoma. Identifiers: MedGen C0281361, MONDO:0006047, HP:0006725.

Allele frequency attached by ClinVar (database versions not stated): gnomAD exomes below 0.00001.
gnomAD v4.1: 1 of 1,613,676 alleles (0.000062%); highest among the groups gnomAD compares: Non-Finnish European, 0.000085%; no homozygotes.

Submissions (2):

Ambry Genetics
Classification: Uncertain significance. Last evaluated: 2026-03-12. Review status: criteria provided, single submitter. Criteria: Ambry Variant Classification Scheme 2023. Collection method: clinical testing. Allele origin: germline.
Comment: The p.V284L variant (also known as c.850G>T), located in coding exon 4 of the PALLD gene, results from a G to T substitution at nucleotide position 850. The valine at codon 284 is replaced by leucine, an amino acid with highly similar properties. This amino acid position is conserved. In addition, this alteration is predicted to be tolerated by in silico analysis. Based on the available evidence, the clinical significance of this variant remains unclear.

Labcorp Genetics (formerly Invitae), Labcorp
Classification: Uncertain significance for Pancreatic adenocarcinoma. Last evaluated: 2014-06-11. Review status: no assertion criteria provided. Collection method: clinical testing. Allele origin: germline. Not counted in ClinVar's aggregate classification.
Comment: The interpretation for this sequence variant was made by Invitae based on the ACMG guidelines.